The following is an entry in ClinVar:

ClinVar aggregate classification (germline): Uncertain significance (1 of 4 stars; one submission).

Conditions:
X-linked Emery-Dreifuss muscular dystrophy. Also called: Muscular dystrophy, tardive Emery-Dreifuss type, with contractures. Identifiers: Orphanet 261, Orphanet 98863, MedGen C0751337, MONDO:0010680.

Submission:

Labcorp Genetics (formerly Invitae), Labcorp
Classification: Uncertain significance for X-linked Emery-Dreifuss muscular dystrophy. Last evaluated: 2019-08-23. Review status: criteria provided, single submitter. Criteria: Invitae Variant Classification Sherloc (09022015). Collection method: clinical testing. Allele origin: germline.
Comment: This variant is not present in population databases (ExAC no frequency). This sequence change replaces glutamic acid with glutamine at codon 40 of the EMD protein (p.Glu40Gln). The glutamic acid residue is highly conserved and there is a small physicochemical difference between glutamic acid and glutamine. This variant has not been reported in the literature in individuals with EMD-related conditions. In summary, the available evidence is currently insufficient to determine the role of this variant in disease. Therefore, it has been classified as a Variant of Uncertain Significance. Algorithms developed to predict the effect of missense changes on protein structure and function are either unavailable or do not agree on the potential impact of this missense change (SIFT: "Deleterious"; PolyPhen-2: "Probably Damaging"; Align-GVGD: "Class C0").

NM_000117.3(EMD):c.118G>C (p.Glu40Gln)

Gene: EMD (emerin; plus strand). Cytogenetic location: Xq28.
Variant type: single nucleotide variant.
Coding change: c.118G>C on transcript NM_000117.3 (MANE Select); coding-DNA position 118, G replaced by C.
Protein change: p.Glu40Gln; replaces glutamic acid 40 with glutamine.
Molecular consequence: missense variant.
Genome position (GRCh38, 1-based): chrX:154,379,725, G>C. VCF-style: chrX-154379725-G-C. GRCh37 (hg19) VCF-style: chrX-153608085-G-C.
Other names: short protein forms E40Q.
Identifiers: ClinVar variation 942165 (VCV000942165.10), dbSNP rs2067875036, ClinGen allele CA415257417.